The following is an entry in ClinVar:

NM_004336.5(BUB1):c.1430dup (p.Pro478fs)

Gene: BUB1 (BUB1 mitotic checkpoint serine/threonine kinase; minus strand). Cytogenetic location: 2q13.
Variant type: Duplication.
Coding change: c.1430dup on transcript NM_004336.5 (MANE Select); coding-DNA position 1430, one base duplicated (C; older notation c.1430dupC).
Protein change: p.Pro478fs; shifts the reading frame from proline 478.
Molecular consequence: frameshift variant.
Genome position (GRCh38, 1-based): chr2:110,658,496, G duplicated on the plus strand (C on the coding strand, the reverse complement: BUB1 is on the minus strand). VCF-style (leftmost placement, unchanged base first): chr2-110658495-A-AG. GRCh37 (hg19) VCF-style: chr2-111416072-A-AG.
Other names: c.1370dup, p.Pro458fs (NM_001278616.2); c.1430dup, p.Pro478fs (NM_001278617.2); short protein forms P458fs, P478fs.
Identifiers: ClinVar variation 3377649 (VCV003377649.1).

ClinVar aggregate classification (germline): Likely pathogenic (1 of 4 stars; one submission).

Conditions:
Microcephaly 30, primary, autosomal recessive (MCPH30). Identifiers: MedGen C5774280, MONDO:0859342, OMIM 620183.

Submission:

Neuberg Centre For Genomic Medicine, NCGM
Classification: Likely pathogenic for Microcephaly 30, primary, autosomal recessive. Review status: criteria provided, single submitter. Criteria: ACMG Guidelines, 2015. Collection method: clinical testing. Allele origin: germline. Inheritance: Autosomal recessive inheritance. Affected: yes.
Comment: The frameshift c.1430dup(p.Pro478SerfsTer5) variant in BUB1 gene has not been reported previously as a pathogenic variant nor a benign variant, to our knowledge. The p.Pro478SerfsTer5 variant has been reported with allele frequency of 0.001% in gnomAD Exomes. This variant has not been submitted to the ClinVar database. This variant causes a frameshift starting with codon Proline 478, changes this amino acid to Serine residue, and creates a premature Stop codon at position 5 of the new reading frame, denoted p.Pro478SerfsTer5. This variant is predicted to cause loss of normal protein function through protein truncation. Loss of function variants have been previously reported to be disease causing. For these reasons, this variant has been classified as Likely Pathogenic.